The following is an entry in ClinVar:

NM_001291303.3(FAT4):c.11841C>A (p.Asn3947Lys)

Gene: FAT4 (FAT atypical cadherin 4; plus strand). Cytogenetic location: 4q28.1.
Variant type: single nucleotide variant.
Coding change: c.11841C>A on transcript NM_001291303.3 (MANE Select); coding-DNA position 11841, C replaced by A.
Protein change: p.Asn3947Lys; replaces asparagine 3947 with lysine.
Molecular consequence: missense variant.
Genome position (GRCh38, 1-based): chr4:125,463,603, C>A. VCF-style: chr4-125463603-C-A. GRCh37 (hg19) VCF-style: chr4-126384758-C-A.
Other names: c.11841C>A, p.Asn3947Lys (NM_001291285.3); c.11835C>A, p.Asn3945Lys (NM_024582.6); short protein forms N3945K, N3947K.
Identifiers: ClinVar variation 1314085 (VCV001314085.7), dbSNP rs758141491, ClinGen allele CA104857362.

ClinVar aggregate classification (germline): Uncertain significance. Review status: criteria provided, multiple submitters, no conflicts (2 of 4 stars). 2 submissions from 2 submitters: Uncertain significance (2). Last evaluated 2023-12-18.

Allele frequency attached by ClinVar (database versions not stated): gnomAD 0.00001; TOPMed 0.00002.
gnomAD v4.1: 6 of 1,600,650 alleles (0.00037%); highest among the groups gnomAD compares: African/African-American, 0.004%; no homozygotes.

Submissions (2):

Labcorp Genetics (formerly Invitae), Labcorp
Classification: Uncertain significance. Last evaluated: 2023-12-18. Review status: criteria provided, single submitter. Criteria: Invitae Variant Classification Sherloc (09022015). Collection method: clinical testing. Allele origin: germline.
Comment: This sequence change replaces asparagine, which is neutral and polar, with lysine, which is basic and polar, at codon 3945 of the FAT4 protein (p.Asn3945Lys). This variant is not present in population databases (gnomAD no frequency). This variant has not been reported in the literature in individuals affected with FAT4-related conditions. ClinVar contains an entry for this variant (Variation ID: 1314085). Advanced modeling of protein sequence and biophysical properties (such as structural, functional, and spatial information, amino acid conservation, physicochemical variation, residue mobility, and thermodynamic stability) performed at Invitae indicates that this missense variant is not expected to disrupt FAT4 protein function with a negative predictive value of 95%. In summary, the available evidence is currently insufficient to determine the role of this variant in disease. Therefore, it has been classified as a Variant of Uncertain Significance.

GeneDx
Classification: Uncertain significance. Last evaluated: 2022-05-31. Review status: criteria provided, single submitter. Criteria: GeneDx Variant Classification Process June 2021. Collection method: clinical testing. Allele origin: germline. Affected: yes.
Comment: Not observed in large population cohorts (gnomAD); In silico analysis supports that this missense variant has a deleterious effect on protein structure/function; Has not been previously published as pathogenic or benign to our knowledge